The following is an entry in ClinVar:

ClinVar aggregate classification (germline): Conflicting classifications of pathogenicity. Review status: criteria provided, conflicting classifications (1 of 4 stars). 2 submissions from 2 submitters: Uncertain significance (1); Likely benign (1). Last evaluated 2025-12-26.

Conditions:
Hereditary cancer-predisposing syndrome. Also called: Tumor predisposition; Hereditary neoplastic syndrome; Neoplastic Syndromes, Hereditary; Hereditary Cancer Syndrome. Identifiers: Orphanet 140162, MedGen C0027672, MeSH D009386, MONDO:0015356.

Allele frequency attached by ClinVar (database versions not stated): gnomAD exomes below 0.00001; ExAC 0.00001; TOPMed 0.00006; gnomAD 0.00007 and 0.00008; 1000 Genomes Project 0.00020; 1000 Genomes Project 30x 0.00031.
gnomAD v4.1: 15 of 1,614,210 alleles (0.00093%); highest among the groups gnomAD compares: Admixed American, 0.015%; no homozygotes.

Submissions (2):

Labcorp Genetics (formerly Invitae), Labcorp
Classification: Likely benign. Last evaluated: 2025-12-26. Review status: criteria provided, single submitter. Criteria: Invitae Variant Classification Sherloc (09022015). Collection method: clinical testing. Allele origin: germline.

Sema4
Classification: Uncertain significance for Hereditary cancer-predisposing syndrome. Last evaluated: 2022-02-21. Review status: criteria provided, single submitter. Criteria: Sema4 Curation Guidelines. Collection method: curation. Allele origin: germline.
Comment: The SMARCB1 c.987-13C>T variant has not been reported in the literature to our knowledge. This variant is not reported in the population database Genome Aggregation Database (PMID: 32461654). The variant has not been reported in ClinVar. In silico tools suggest that the variant does not have an impact on splicing, though these predictions have not been confirmed by functional studies. There is no indication that this variant causes disease, but the evidence is insufficient currently to prove that conclusively. Thus, the clinical significance of this variant is currently uncertain.

NM_003073.5(SMARCB1):c.987-13C>T

Gene: SMARCB1 (SWI/SNF related BAF chromatin remodeling complex subunit B1; plus strand). Cytogenetic location: 22q11.23.
Variant type: single nucleotide variant.
Coding change: c.987-13C>T on transcript NM_003073.5 (MANE Select); 13 bases into the intron before coding-DNA position 987, C replaced by T.
Molecular consequence: intron variant.
Genome position (GRCh38, 1-based): chr22:23,833,559, C>T. VCF-style: chr22-23833559-C-T. GRCh37 (hg19) VCF-style: chr22-24175746-C-T.
Other names: c.1041-13C>T (NM_001362877.2); c.1014-13C>T (NM_001317946.2); c.960-13C>T (NM_001007468.3).
Identifiers: ClinVar variation 1588903 (VCV001588903.9), dbSNP rs185572642, ClinGen allele CA10146093.
Genomic context (GRCh38, chr22:23,833,559, plus strand): 5'-GGCCAAAGCTTTCTGAGGATTCTCCATCTATAGCTGGAAAAGTCATTCCTCTCACTGCCT[C>T]CCCTCCTCGTAGCGAGAACCCTCTGCCCACAGTGGAGATTGCCATCCGGAACACGGGCGA-3'